The following is an entry in ClinVar:

ClinVar aggregate classification (germline): Benign. Review status: criteria provided, multiple submitters, no conflicts (2 of 4 stars). 2 submissions from 2 submitters: Benign (2). Last evaluated 2018-06-14.

Allele frequency attached by ClinVar (database versions not stated): gnomAD 0.47853; TOPMed 0.50937; 1000 Genomes Project 30x 0.55442; 1000 Genomes Project 0.56053.

Submissions (2):

GeneDx
Classification: Benign. Last evaluated: 2018-06-14. Review status: criteria provided, single submitter. Criteria: GeneDx Variant Classification (06012015). Collection method: clinical testing. Allele origin: germline. Affected: yes.
Comment: This variant is considered likely benign or benign based on one or more of the following criteria: it is a conservative change, it occurs at a poorly conserved position in the protein, it is predicted to be benign by multiple in silico algorithms, and/or has population frequency not consistent with disease.

Breakthrough Genomics
Classification: Benign. Review status: criteria provided, single submitter. Criteria: ACMG Guidelines, 2015. Collection method: not provided. Allele origin: germline. Inheritance: X-linked inheritance. Affected: yes.

NM_080632.3(UPF3B):c.846+102T>G

Gene: UPF3B (UPF3B regulator of nonsense mediated mRNA decay; minus strand). Cytogenetic location: Xq24.
Variant type: single nucleotide variant.
Coding change: c.846+102T>G on transcript NM_080632.3 (MANE Select); 102 bases into the intron after coding-DNA position 846, T replaced by G.
Molecular consequence: intron variant.
Genome position (GRCh38, 1-based): chrX:119,840,544, A>C on the plus strand (T>G on the coding strand, the complement: UPF3B is on the minus strand). VCF-style: chrX-119840544-A-C. GRCh37 (hg19) VCF-style: chrX-118974507-A-C.
Other names: c.807+532T>G (NM_023010.4).
Identifiers: ClinVar variation 673766 (VCV000673766.2), dbSNP rs2285552, ClinGen allele CA334124797.
Genomic context (GRCh38, chrX:119,840,544, plus strand): 5'-AAATTTATAATAAAATAGCTCAGCTTTTAAGAAGACTCAAGTCAACCTGAAGGGGTTTTC[A>C]ACAAGTAACACTACCACCACCACCACCAAAAGGACTTATTAGCTAAGACCTGTGTGTGTG-3'